The following is an entry in ClinVar:

NM_006648.4(WNK2):c.629A>G (p.Tyr210Cys)

Gene: WNK2 (WNK lysine deficient protein kinase 2; plus strand). Cytogenetic location: 9q22.31.
Variant type: single nucleotide variant.
Coding change: c.629A>G on transcript NM_006648.4 (MANE Select); coding-DNA position 629, A replaced by G.
Protein change: p.Tyr210Cys; replaces tyrosine 210 with cysteine.
Molecular consequence: missense variant.
Genome position (GRCh38, 1-based): chr9:93,185,558, A>G. VCF-style: chr9-93185558-A-G. GRCh37 (hg19) VCF-style: chr9-95947840-A-G.
Other names: c.629A>G, p.Tyr210Cys (NM_001282394.3); short protein forms Y210C.
Identifiers: ClinVar variation 3816818 (VCV003816818.1).

ClinVar aggregate classification (germline): Uncertain significance (1 of 4 stars; one submission).

gnomAD v4.1: 4 of 1,612,974 alleles (0.00025%); highest among the groups gnomAD compares: East Asian, 0.0045%; no homozygotes.

Submission:

Ambry Genetics
Classification: Uncertain significance. Last evaluated: 2025-01-13. Review status: criteria provided, single submitter. Criteria: Ambry Variant Classification Scheme 2023. Collection method: clinical testing. Allele origin: germline.
Comment: The p.Y210C variant (also known as c.629A>G), located in coding exon 1 of the WNK2 gene, results from an A to G substitution at nucleotide position 629. The tyrosine at codon 210 is replaced by cysteine, an amino acid with highly dissimilar properties. This amino acid position is conserved. In addition, the in silico prediction for this alteration is inconclusive. Based on the available evidence, the clinical significance of this variant remains unclear.